The following is an entry in ClinVar:

NM_018249.6(CDK5RAP2):c.4594_4595delinsAT (p.Glu1532Met)

Gene: CDK5RAP2 (CDK5 regulatory subunit associated protein 2; minus strand). Cytogenetic location: 9q33.2.
Variant type: Indel.
Coding change: c.4594_4595delinsAT on transcript NM_018249.6 (MANE Select); coding-DNA positions 4594 to 4595, GA replaced by AT.
Protein change: p.Glu1532Met; replaces glutamic acid 1532 with methionine.
Molecular consequence: missense variant. On other transcripts: non-coding transcript variant (5).
Genome position (GRCh38, 1-based): chr9:120,409,136-120,409,137, TC replaced by AT on the plus strand (GA replaced by AT on the coding strand, the reverse complement: CDK5RAP2 is on the minus strand). VCF-style: chr9-120409136-TC-AT. GRCh37 (hg19) VCF-style: chr9-123171414-TC-AT.
Other names: c.4594_4595delinsAT, p.Glu1532Met (NM_001011649.3); c.3904_3905delinsAT, p.Glu1302Met (NM_001272039.2); c.4495_4496delGAinsAT, p.Glu1499Met (NM_001410992.1); c.4498_4499delGAinsAT, p.Glu1500Met (NM_001410993.1); c.4591_4592delGAinsAT, p.Glu1531Met (NM_001410994.1); c.4594_4595delinsAT (NM_018249.5); short protein forms E1302M, E1500M, E1531M, E1532M, E1499M.
Identifiers: ClinVar variation 2228961 (VCV002228961.4), dbSNP rs2538898869, ClinGen allele CA2580079491.
Genomic context (GRCh38, chr9:120,409,136, plus strand): 5'-GCCTGCATGCGTGGTACGGCCAGCAGGCCACCAGGGAAGCACAGCCACTACCTGCTCAGC[TC>AT]CTGGCCGCTGCAGCGGACCTCCTGGATCAGCTGCTGGTTGTGTCTCTCCTTCTCGCTGCC-3'
Protein context (NP_060719.4, residues 1522-1542): LIQEVRCSGQ[Glu1532Met]LSRVQEEVKL

ClinVar aggregate classification (germline): Uncertain significance. Review status: criteria provided, single submitter (1 of 4 stars). 2 submissions from 2 submitters: Uncertain significance (1). 1 of the submissions does not count toward it. Last evaluated 2021-01-13.

Conditions:
Inborn genetic diseases. Identifiers: MedGen C0950123, MeSH D030342.

Submissions (2):

Ambry Genetics
Classification: Uncertain significance for Inborn genetic diseases. Last evaluated: 2021-01-13. Review status: criteria provided, single submitter. Criteria: Ambry Variant Classification Scheme 2023. Collection method: clinical testing. Allele origin: germline.
Comment: The c.4594_4595delGAinsAT (p.E1532M) alteration, located in exon 30 (coding exon 30) of the CDK5RAP2 gene, consists of an in-frame substitution of 2 nucleotides from position 4594 to 4595, resulting in the insertion of <NA> residues. Based on insufficient or conflicting evidence, the clinical significance of this alteration remains unclear.

Genetic Services Laboratory, University of Chicago
Classification: Uncertain significance. Last evaluated: 2022-05-18. Review status: no assertion criteria provided. Collection method: clinical testing. Allele origin: germline. Affected: no. Not counted in ClinVar's aggregate classification.